The following is an entry in ClinVar:

NM_033395.2(CEP295):c.2993A>G (p.Gln998Arg)

Gene: CEP295 (centrosomal protein 295; plus strand). Cytogenetic location: 11q21.
Variant type: single nucleotide variant.
Coding change: c.2993A>G on transcript NM_033395.2 (MANE Select); coding-DNA position 2993, A replaced by G.
Protein change: p.Gln998Arg; replaces glutamine 998 with arginine.
Molecular consequence: missense variant.
Genome position (GRCh38, 1-based): chr11:93,697,905, A>G. VCF-style: chr11-93697905-A-G. GRCh37 (hg19) VCF-style: chr11-93431071-A-G.
Other names: short protein forms Q998R.
Identifiers: ClinVar variation 4292279 (VCV004292279.2).

ClinVar aggregate classification (germline): Uncertain significance. Review status: criteria provided, multiple submitters, no conflicts (2 of 4 stars). 2 submissions from 2 submitters: Uncertain significance (2). Last evaluated 2024-09-28.

Conditions:
Seckel syndrome 11. Identifiers: MedGen C5935595, MONDO:0958328, OMIM 620767.

gnomAD v4.1: 1 of 1,551,732 alleles (0.000064%); no homozygotes.

Submissions (2):

3billion
Classification: Uncertain significance for Seckel syndrome 11. Last evaluated: 2024-09-28. Review status: criteria provided, single submitter. Criteria: ACMG Guidelines, 2015. Collection method: clinical testing. Allele origin: germline. Affected: yes.
Comment: The variant is observed at an extremely low frequency in the gnomAD v4.1.0 dataset (total allele frequency: <0.001%). Predicted Consequence/Location: Missense variant Therefore, this variant is classified as VUS according to the recommendation of ACMG/AMP guideline.

Department of Pediatric Genetics, Istanbul University - Cerrahpasa
Classification: Uncertain significance for Seckel syndrome 11. Review status: criteria provided, single submitter. Criteria: ACMG Guidelines, 2015. Collection method: clinical testing. Allele origin: germline. Affected: yes.